The following is an entry in ClinVar:

ClinVar aggregate classification (germline): Benign/Likely benign. Review status: criteria provided, multiple submitters, no conflicts (2 of 4 stars). 7 submissions from 7 submitters: Benign (4); Likely benign (2). 1 of the submissions does not count toward it. Last evaluated 2026-02-01.

Conditions:
Roberts-SC phocomelia syndrome (RBS). Also called: ESCO2 Spectrum Disorder; Pseudothalidomide syndrome; Appelt-Gerken-Lenz syndrome; LONG BONE DEFICIENCIES ASSOCIATED WITH CLEFT LIP-PALATE; Hypomelia hypotrichosis facial hemangioma syndrome. Identifiers: Orphanet 3103, MedGen C0392475, MONDO:0100253, OMIM 268300.

Allele frequency attached by ClinVar (database versions not stated): ESP Exome Variant Server 0.00062; gnomAD 0.00262; 1000 Genomes Project 0.00439; 1000 Genomes Project 30x 0.00531; TOPMed 0.00578; ExAC 0.00670; gnomAD exomes 0.00803.
gnomAD v4.1: 3,195 of 1,605,628 alleles (0.2%); highest among the groups gnomAD compares: Admixed American, 4%; 79 homozygotes.

Submissions (7):

Labcorp Genetics (formerly Invitae), Labcorp
Classification: Benign. Last evaluated: 2026-02-01. Review status: criteria provided, single submitter. Criteria: Invitae Variant Classification Sherloc (09022015). Collection method: clinical testing. Allele origin: germline.

GeneDx
Classification: Benign. Last evaluated: 2018-11-08. Review status: criteria provided, single submitter. Criteria: GeneDx Variant Classification Process June 2021. Collection method: clinical testing. Allele origin: germline. Affected: yes.

Illumina Laboratory Services, Illumina
Classification: Likely benign for Roberts-SC phocomelia syndrome. Last evaluated: 2017-04-27. Review status: criteria provided, single submitter. Criteria: ICSL Variant Classification Criteria 13 December 2019. Collection method: clinical testing. Allele origin: germline.
Comment: This variant was observed as part of a predisposition screen in an ostensibly healthy population. A literature search was performed for the gene, cDNA change, and amino acid change (where applicable). No publications were found based on this search. Allele frequency data from public databases allowed determination this variant is unlikely to cause disease. Therefore, this variant is classified as likely benign.

Center for Pediatric Genomic Medicine, Children's Mercy Hospital and Clinics
Classification: Benign. Last evaluated: 2015-06-05. Review status: criteria provided, single submitter. Criteria: ACMG Guidelines, 2015. Collection method: clinical testing. Allele origin: germline.

Eurofins Ntd Llc (ga)
Classification: Benign. Last evaluated: 2015-03-17. Review status: criteria provided, single submitter. Criteria: EGL Classification Definitions 2015. Collection method: clinical testing. Allele origin: germline. Observed: 1 variant allele, 1 homozygote.

Breakthrough Genomics
Classification: Likely benign. Review status: criteria provided, single submitter. Criteria: ACMG Guidelines, 2015. Collection method: not provided. Allele origin: germline. Inheritance: Autosomal recessive inheritance. Affected: yes.

Natera, Inc.
Classification: Benign for Roberts syndrome. Last evaluated: 2020-09-16. Review status: no assertion criteria provided. Collection method: clinical testing. Allele origin: germline. Not counted in ClinVar's aggregate classification.

NM_001017420.3(ESCO2):c.764T>C (p.Phe255Ser)

Gene: ESCO2 (establishment of sister chromatid cohesion N-acetyltransferase 2; plus strand). Cytogenetic location: 8p21.1.
Variant type: single nucleotide variant.
Coding change: c.764T>C on transcript NM_001017420.3 (MANE Select); coding-DNA position 764, T replaced by C.
Protein change: p.Phe255Ser; replaces phenylalanine 255 with serine.
Molecular consequence: missense variant.
Genome position (GRCh38, 1-based): chr8:27,777,072, T>C. VCF-style: chr8-27777072-T-C. GRCh37 (hg19) VCF-style: chr8-27634589-T-C.
Other names: short protein forms F255S.
Identifiers: ClinVar variation 196300 (VCV000196300.23), dbSNP rs141631911, ClinGen allele CA202266.
Genomic context (GRCh38, chr8:27,777,072, plus strand): 5'-AGAGTAAATCAGAAGTCATTGAAGATTCTGATGTAGAGACTGTCAGTGAAAAAAAAACTT[T>C]TGCGACAAGGCAAGTGCCAAAGTGCTTGGTCCTAGAAGAGAAATTGAAAATTGGACTACT-3'
Protein context (NP_001017420.1, residues 245-265): DVETVSEKKT[Phe255Ser]ATRQVPKCLV